The following is an entry in ClinVar:

ClinVar aggregate classification (germline): Uncertain significance (1 of 4 stars; one submission).

Submission:

Labcorp Genetics (formerly Invitae), Labcorp
Classification: Uncertain significance. Last evaluated: 2025-10-15. Review status: criteria provided, single submitter. Criteria: Invitae Variant Classification Sherloc (09022015). Collection method: clinical testing. Allele origin: germline.
Comment: This sequence change replaces glutamine, which is neutral and polar, with arginine, which is basic and polar, at codon 2449 of the VCAN protein (p.Gln2449Arg). This variant is not present in population databases (gnomAD no frequency). This variant has not been reported in the literature in individuals affected with VCAN-related conditions. An algorithm developed to predict the effect of missense changes on protein structure and function (PolyPhen-2) suggests that this variant is likely to be tolerated. In summary, the available evidence is currently insufficient to determine the role of this variant in disease. Therefore, it has been classified as a Variant of Uncertain Significance.

NM_004385.5(VCAN):c.7346A>G (p.Gln2449Arg)

Genes: VCAN (versican; plus strand), VCAN-AS1 (VCAN antisense RNA 1; minus strand). Cytogenetic location: 5q14.3.
Variant type: single nucleotide variant.
Coding change: c.7346A>G on transcript NM_004385.5 (MANE Select); coding-DNA position 7346, A replaced by G.
Protein change: p.Gln2449Arg; replaces glutamine 2449 with arginine.
Molecular consequence: missense variant. On other transcripts: intron variant (2).
Genome position (GRCh38, 1-based): chr5:83,540,349, A>G. VCF-style: chr5-83540349-A-G. GRCh37 (hg19) VCF-style: chr5-82836168-A-G.
Other names: c.4385A>G, p.Gln1462Arg (NM_001164097.2); c.4004-5188A>G (NM_001164098.2); c.1043-5188A>G (NM_001126336.3); short protein forms Q1462R, Q2449R.
Identifiers: ClinVar variation 4778650 (VCV004778650.1).